The following is an entry in ClinVar:

ClinVar aggregate classification (germline): Pathogenic (1 of 4 stars; one submission).

Conditions:
MT-TF-related mito tubulointerstitial kidney disease (MITKD).

Submission:

3billion
Classification: Pathogenic for MT-TF-related mito tubulointerstitial kidney disease (MITKD). Last evaluated: 2024-11-05. Review status: criteria provided, single submitter. Criteria: ACMG Guidelines, 2015. Collection method: clinical testing. Allele origin: germline. Affected: yes.
Comment: The variant is observed at an extremely low frequency in the gnomAD v4.1.0 dataset (heteroplasmic allele frequency: 0.002%). Predicted Consequence/Location: Mitochondrial variant Functional studies provide moderate evidence of the variant having a damaging effect on the gene or gene product (PMID: 34607911). The variant has been observed in multiple (>3) similarly affected unrelated individuals (PMID: 34607911). The variant has been reported to co-segregate with the disease in at least 5 similarly affected relatives/individuals in the same family or similarly affected unrelated family (PMID: 34607911). The variant has been reported at least twice as pathogenic with clinical assertions and evidence for the classification (3billion dataset/ClinVar ID: VCV001177637 /Mitomap PMID: 34607911). Therefore, this variant is classified as Pathogenic (PS3_M, PS4_S, PM2_M, PP1_S, PP5_S) according to the recommendation of ACMG/AMP guideline.

Literature cited by the submitters: PubMed 34607911.

NC_012920.1:m.15C>T

Gene: MT-TF (mitochondrially encoded tRNA phenylalanine; plus strand).
Variant type: single nucleotide variant.
Genome position: chrM-15-C-T.
Identifiers: ClinVar variation 4292995 (VCV004292995.1).